The following is an entry in ClinVar:

ClinVar aggregate classification (germline): Uncertain significance. Review status: criteria provided, multiple submitters, no conflicts (2 of 4 stars). 2 submissions from 2 submitters: Uncertain significance (2). Last evaluated 2025-10-17.

Conditions:
Inborn genetic diseases. Identifiers: MedGen C0950123, MeSH D030342.
LAMA2-related muscular dystrophy (LAMA2-RD). Also called: Laminin alpha 2-related dystrophy. Identifiers: MedGen C5679788, MONDO:0100228.

Allele frequency attached by ClinVar (database versions not stated): gnomAD exomes below 0.00001 and 0.00001; gnomAD 0.00001; TOPMed 0.00001.
gnomAD v4.1: 13 of 1,614,078 alleles (0.00081%); highest among the groups gnomAD compares: Non-Finnish European, 0.0011%; no homozygotes.

Submissions (2):

Ambry Genetics
Classification: Uncertain significance for Inborn genetic diseases. Last evaluated: 2025-10-17. Review status: criteria provided, single submitter. Criteria: Ambry Variant Classification Scheme 2023. Collection method: clinical testing. Allele origin: germline.

Labcorp Genetics (formerly Invitae), Labcorp
Classification: Uncertain significance for LAMA2-related muscular dystrophy. Last evaluated: 2021-08-31. Review status: criteria provided, single submitter. Criteria: Invitae Variant Classification Sherloc (09022015). Collection method: clinical testing. Allele origin: germline.
Comment: This sequence change replaces leucine with proline at codon 2922 of the LAMA2 protein (p.Leu2922Pro). The leucine residue is highly conserved and there is a moderate physicochemical difference between leucine and proline. This variant is not present in population databases (ExAC no frequency). This variant has not been reported in the literature in individuals affected with LAMA2-related conditions. Algorithms developed to predict the effect of missense changes on protein structure and function are either unavailable or do not agree on the potential impact of this missense change (SIFT: "Deleterious"; PolyPhen-2: "Possibly Damaging"; Align-GVGD: "Class C0"). In summary, the available evidence is currently insufficient to determine the role of this variant in disease. Therefore, it has been classified as a Variant of Uncertain Significance.

NM_000426.4(LAMA2):c.8765T>C (p.Leu2922Pro)

Gene: LAMA2 (laminin subunit alpha 2; plus strand). Cytogenetic location: 6q22.33.
Variant type: single nucleotide variant.
Coding change: c.8765T>C on transcript NM_000426.4 (MANE Select); coding-DNA position 8765, T replaced by C.
Protein change: p.Leu2922Pro; replaces leucine 2922 with proline.
Molecular consequence: missense variant.
Genome position (GRCh38, 1-based): chr6:129,507,550, T>C. VCF-style: chr6-129507550-T-C. GRCh37 (hg19) VCF-style: chr6-129828695-T-C.
Other names: c.8765T>C (NM_000426.3); c.8753T>C, p.Leu2918Pro (NM_001079823.2); short protein forms L2918P, L2922P.
Identifiers: ClinVar variation 1035546 (VCV001035546.3), dbSNP rs1213508155, ClinGen allele CA365635564.